The following is an entry in ClinVar:

ClinVar aggregate classification (germline): Uncertain significance. Review status: criteria provided, multiple submitters, no conflicts (2 of 4 stars). 2 submissions from 2 submitters: Uncertain significance (2). Last evaluated 2025-04-21.

Conditions:
Saethre-Chotzen syndrome (SCS). Also called: ACROCEPHALY, SKULL ASYMMETRY, AND MILD SYNDACTYLY; ACS III; CHOTZEN SYNDROME. Identifiers: Orphanet 794, MedGen C0175699, MONDO:0007042, OMIM 101400.
TWIST1-related craniosynostosis (CRS1). Also called: CRANIOSYNOSTOSIS 1. Identifiers: Orphanet 63440, MedGen C4551902, MONDO:0007399, OMIM 123100. Inheritance: Heterogenous inheritance pattern.
Inborn genetic diseases. Identifiers: MedGen C0950123, MeSH D030342.

Submissions (2):

Labcorp Genetics (formerly Invitae), Labcorp
Classification: Uncertain significance for TWIST1-related craniosynostosis; Saethre-Chotzen syndrome. Last evaluated: 2025-04-21. Review status: criteria provided, single submitter. Criteria: Invitae Variant Classification Sherloc (09022015). Collection method: clinical testing. Allele origin: germline.
Comment: This sequence change replaces serine, which is neutral and polar, with isoleucine, which is neutral and non-polar, at codon 68 of the TWIST1 protein (p.Ser68Ile). This variant is present in population databases (no rsID available, gnomAD 0.007%). This variant has not been reported in the literature in individuals affected with TWIST1-related conditions. ClinVar contains an entry for this variant (Variation ID: 2195827). Experimental studies and prediction algorithms are not available or were not evaluated, and the functional significance of this variant is currently unknown. In summary, the available evidence is currently insufficient to determine the role of this variant in disease. Therefore, it has been classified as a Variant of Uncertain Significance.

Ambry Genetics
Classification: Uncertain significance for Inborn genetic diseases. Last evaluated: 2025-02-12. Review status: criteria provided, single submitter. Criteria: Ambry Variant Classification Scheme 2023. Collection method: clinical testing. Allele origin: germline.

NM_000474.4(TWIST1):c.203G>T (p.Ser68Ile)

Gene: TWIST1 (twist family bHLH transcription factor 1; minus strand). Cytogenetic location: 7p21.1.
Variant type: single nucleotide variant.
Coding change: c.203G>T on transcript NM_000474.4 (MANE Select); coding-DNA position 203, G replaced by T.
Protein change: p.Ser68Ile; replaces serine 68 with isoleucine.
Molecular consequence: missense variant. On other transcripts: non-coding transcript variant (1).
Genome position (GRCh38, 1-based): chr7:19,117,119, C>A on the plus strand (G>T on the coding strand, the complement: TWIST1 is on the minus strand). VCF-style: chr7-19117119-C-A. GRCh37 (hg19) VCF-style: chr7-19156742-C-A.
Other names: c.203G>T (NM_000474.3); short protein forms S68I.
Identifiers: ClinVar variation 2195827 (VCV002195827.5), dbSNP rs1051003265, ClinGen allele CA155466612.